The following is an entry in ClinVar:

NM_006147.4(IRF6):c.*1511C>T

Gene: IRF6 (interferon regulatory factor 6; minus strand). Cytogenetic location: 1q32.2.
Variant type: single nucleotide variant.
Coding change: c.*1511C>T on transcript NM_006147.4 (MANE Select); 1511 bases downstream of the stop codon, C replaced by T.
Molecular consequence: 3 prime UTR variant.
Genome position (GRCh38, 1-based): chr1:209,786,909, G>A on the plus strand (C>T on the coding strand, the complement: IRF6 is on the minus strand). VCF-style: chr1-209786909-G-A. GRCh37 (hg19) VCF-style: chr1-209960254-G-A.
Other names: c.*1511C>T (NM_001206696.2).
Identifiers: ClinVar variation 295182 (VCV000295182.6), dbSNP rs114756064, ClinGen allele CA10609015.

ClinVar aggregate classification (germline): Benign. Review status: criteria provided, multiple submitters, no conflicts (2 of 4 stars). 3 submissions from 2 submitters: Benign (3). Last evaluated 2018-01-13.

Conditions:
Van der Woude syndrome 1. Also called: CLEFT LIP AND/OR PALATE WITH MUCOUS CYSTS OF LOWER LIP; van der Woude Syndrome (VWS). Identifiers: MedGen C4551864, MONDO:0007333, OMIM 119300.
Orofacial cleft 6, susceptibility to (OFC6). Also called: CLEFT LIP WITH OR WITHOUT CLEFT PALATE, NONSYNDROMIC, 6. Identifiers: MedGen C1837213, MONDO:0012141, OMIM 608864.

Allele frequency attached by ClinVar (database versions not stated): gnomAD 0.01132 and 0.01213; TOPMed 0.01272; 1000 Genomes Project 0.01438; 1000 Genomes Project 30x 0.01530.

Submissions (3):

Illumina Laboratory Services, Illumina
Classification: Benign for Van der Woude syndrome 1. Last evaluated: 2018-01-13. Review status: criteria provided, single submitter. Criteria: ICSL Variant Classification Criteria 13 December 2019. Collection method: clinical testing. Allele origin: germline.
Comment: This variant was observed in the ICSL laboratory as part of a predisposition screen in an ostensibly healthy population. It had not been previously curated by ICSL or reported in the Human Gene Mutation Database (HGMD: prior to June 1st, 2018), and was therefore a candidate for classification through an automated scoring system. Utilizing variant allele frequency, disease prevalence and penetrance estimates, and inheritance mode, an automated score was calculated to assess if this variant is too frequent to cause the disease. Based on the score and internal cut-off values, a variant classified as benign is not then subjected to further curation. The score for this variant resulted in a classification of benign for this disease.

Illumina Laboratory Services, Illumina
Classification: Benign for Orofacial cleft 6, susceptibility to. Last evaluated: 2018-01-13. Review status: criteria provided, single submitter. Criteria: ICSL Variant Classification Criteria 13 December 2019. Collection method: clinical testing. Allele origin: germline.
Comment: the same text as in the submission from Illumina Laboratory Services, Illumina above.

Breakthrough Genomics
Classification: Benign. Review status: criteria provided, single submitter. Criteria: ACMG Guidelines, 2015. Collection method: not provided. Allele origin: germline. Inheritance: Autosomal dominant inheritance. Affected: yes.